The following is an entry in ClinVar:

NM_001164508.2(NEB):c.1849del (p.Asp617fs)

Gene: NEB (nebulin; minus strand). Cytogenetic location: 2q23.3.
Variant type: Deletion.
Coding change: c.1849del on transcript NM_001164508.2 (MANE Select); coding-DNA position 1849, one base deleted (G; older notation c.1849delG).
Protein change: p.Asp617fs; shifts the reading frame from aspartic acid 617.
Molecular consequence: frameshift variant.
Genome position (GRCh38, 1-based): chr2:151,694,370, C deleted on the plus strand (G on the coding strand, the reverse complement: NEB is on the minus strand). VCF-style (leftmost placement, unchanged base first): chr2-151694369-TC-T. GRCh37 (hg19) VCF-style: chr2-152550883-TC-T.
Other names: c.1849delG (NM_001271208.1); c.1849del (NM_001271208.1); c.1849del, p.Asp617fs (NM_001164507.2, NM_001271208.2, NM_004543.5); short protein forms D617fs.
Identifiers: ClinVar variation 520693 (VCV000520693.7), dbSNP rs755531536, ClinGen allele CA1911427.
Genomic context (GRCh38, chr2:151,694,369, plus strand): 5'-ACAAAGAAACTCACATCACTCTGGTTTTTGGCCACCTTCAAGGAGTGCAGCATCTTGGGA[TC>T]GTCATTAATGCTGAGGACTCCAATCATTTTCCCTTTGTTTTTTTCATAGTCTTTCTTGTA-3'

ClinVar aggregate classification (germline): Pathogenic/Likely pathogenic. Review status: criteria provided, multiple submitters, no conflicts (2 of 4 stars). 4 submissions from 4 submitters: Pathogenic (2); Likely pathogenic (2). Last evaluated 2024-05-08.

Conditions:
Nemaline myopathy. Also called: Myopathies, Nemaline. Identifiers: Orphanet 607, MedGen C0206157, MONDO:0018958.
Arthrogryposis multiplex congenita 6. Identifiers: MedGen C5543431, MONDO:0030281, OMIM 619334.
Nemaline myopathy 2 (NEM2). Also called: Nemaline myopathy 2, autosomal recessive. Identifiers: MedGen C1850569, MONDO:0009725, OMIM 256030.
Inborn genetic diseases. Identifiers: MedGen C0950123, MeSH D030342.

Allele frequency attached by ClinVar (database versions not stated): TOPMed below 0.00001; ExAC 0.00001; gnomAD 0.00001; ESP Exome Variant Server 0.00009.

Submissions (4):

Myriad Genetics, Inc.
Classification: Pathogenic for Nemaline myopathy 2. Last evaluated: 2024-05-08. Review status: criteria provided, single submitter. Criteria: Myriad Autosomal Dominant, Autosomal Recessive and X-Linked Classification Criteria (2023). Collection method: clinical testing. Allele origin: unknown.
Comment: NM_001271208.1(NEB):c.1849delG(D617Ifs*8) is expected to be pathogenic in the context of NEB-related nemaline myopathy. This variant is predicted to lead to an abnormal or absent protein product due to the creation of a premature termination codon in NEB, a gene where loss-of-function variants are known to be pathogenic. Please note: this variant was assessed in the context of healthy population screening.

Baylor Genetics
Classification: Likely pathogenic for Arthrogryposis multiplex congenita 6. Last evaluated: 2023-12-28. Review status: criteria provided, single submitter. Criteria: ACMG Guidelines, 2015. Collection method: clinical testing. Allele origin: unknown.

Women's Health and Genetics/Laboratory Corporation of America, LabCorp
Classification: Likely pathogenic for Nemaline myopathy. Last evaluated: 2018-06-12. Review status: criteria provided, single submitter. Criteria: LabCorp Variant Classification Summary - May 2015. Collection method: clinical testing. Allele origin: germline.
Comment: Variant summary: NEB c.1849delG (p.Asp617IlefsX8) results in a premature termination codon, predicted to cause a truncation of the encoded protein or absence of the protein due to nonsense mediated decay, which are commonly known mechanisms for disease. Truncations downstream of this position have been classified as pathogenic by our laboratory (e.g. c.2784delT (p.Asp929fsX28), c.11164C>T (p.Arg3722X), c.21076C>T (p.Arg7026X)). The variant allele was found at a frequency of 4.1e-06 in 246220 control chromosomes. To our knowledge, no occurrence of c.1849delG in individuals affected with Nemaline Myopathy 2 and no experimental evidence demonstrating its impact on protein function have been reported. One clinical diagnostic laboratory has submitted clinical-significance assessments for this variant to ClinVar after 2014 without evidence for independent evaluation, and classified the variant as pathogenic. Based on the evidence outlined above, the variant was classified as likely pathogenic.

Ambry Genetics
Classification: Pathogenic for Inborn genetic diseases. Last evaluated: 2015-06-12. Review status: criteria provided, single submitter. Criteria: Ambry exome assertion method (8-5-2015). Collection method: clinical testing. Allele origin: germline. Affected: yes. Observed: 1 variant allele.